The following is an entry in ClinVar:

NM_007202.4(AKAP10):c.1221A>G (p.Gln407=)

Gene: AKAP10 (A-kinase anchoring protein 10; minus strand). Cytogenetic location: 17p11.2.
Variant type: single nucleotide variant.
Coding change: c.1221A>G on transcript NM_007202.4 (MANE Select); coding-DNA position 1221, A replaced by G.
Protein change: p.Gln407=; no amino-acid change (glutamine 407 retained).
Molecular consequence: synonymous variant.
Genome position (GRCh38, 1-based): chr17:19,939,814, T>C on the plus strand (A>G on the coding strand, the complement: AKAP10 is on the minus strand). VCF-style: chr17-19939814-T-C. GRCh37 (hg19) VCF-style: chr17-19843127-T-C.
Other names: c.1221A>G, p.Gln407= (NM_001330152.2).
Identifiers: ClinVar variation 3034228 (VCV003034228.2), dbSNP rs2072336, ClinGen allele CA8445853.

ClinVar aggregate classification (germline): Likely benign (0 of 4 stars; one submission).

Conditions:
AKAP10-related disorder. Also called: AKAP10-related condition.

Allele frequency attached by ClinVar (database versions not stated): ESP Exome Variant Server 0.00008; gnomAD exomes 0.00015; gnomAD 0.00019; TOPMed 0.00035; 1000 Genomes Project 0.00040; 1000 Genomes Project 30x 0.00047; ExAC 0.00050.
gnomAD v4.1: 259 of 1,613,988 alleles (0.016%); highest among the groups gnomAD compares: Admixed American, 0.3%; 3 homozygotes.

Submission:

PreventionGenetics, part of Exact Sciences
Classification: Likely benign for AKAP10-related condition. Last evaluated: 2020-04-24. Review status: no assertion criteria provided. Collection method: clinical testing. Allele origin: germline.
Comment: This variant is classified as likely benign based on ACMG/AMP sequence variant interpretation guidelines (Richards et al. 2015 PMID: 25741868, with internal and published modifications).